The following is an entry in ClinVar:

NM_002299.4(LCT):c.3760C>G (p.Arg1254Gly)

Gene: LCT (lactase; minus strand). Cytogenetic location: 2q21.3.
Variant type: single nucleotide variant.
Coding change: c.3760C>G on transcript NM_002299.4 (MANE Select); coding-DNA position 3760, C replaced by G.
Protein change: p.Arg1254Gly; replaces arginine 1254 with glycine.
Molecular consequence: missense variant.
Genome position (GRCh38, 1-based): chr2:135,808,587, G>C on the plus strand (C>G on the coding strand, the complement: LCT is on the minus strand). VCF-style: chr2-135808587-G-C. GRCh37 (hg19) VCF-style: chr2-136566157-G-C.
Other names: short protein forms R1254G.
Identifiers: ClinVar variation 1396690 (VCV001396690.6), dbSNP rs761309644, ClinGen allele CA1887993.

ClinVar aggregate classification (germline): Uncertain significance (1 of 4 stars; one submission).

Allele frequency attached by ClinVar (database versions not stated): ExAC 0.00001.

Submission:

Labcorp Genetics (formerly Invitae), Labcorp
Classification: Uncertain significance. Last evaluated: 2021-12-09. Review status: criteria provided, single submitter. Criteria: Invitae Variant Classification Sherloc (09022015). Collection method: clinical testing. Allele origin: germline.
Comment: Algorithms developed to predict the effect of missense changes on protein structure and function are either unavailable or do not agree on the potential impact of this missense change (SIFT: "Not Available"; PolyPhen-2: "Probably Damaging"; Align-GVGD: "Not Available"). This variant has not been reported in the literature in individuals affected with LCT-related conditions. This variant is present in population databases (rs761309644, gnomAD 0.0009%). This sequence change replaces arginine, which is basic and polar, with glycine, which is neutral and non-polar, at codon 1254 of the LCT protein (p.Arg1254Gly). In summary, the available evidence is currently insufficient to determine the role of this variant in disease. Therefore, it has been classified as a Variant of Uncertain Significance.